The following is an entry in ClinVar:

NM_014244.5(ADAMTS2):c.2842_2844del (p.Asp948del)

Gene: ADAMTS2 (ADAM metallopeptidase with thrombospondin type 1 motif 2; minus strand). Cytogenetic location: 5q35.3.
Variant type: Deletion.
Coding change: c.2842_2844del on transcript NM_014244.5 (MANE Select); coding-DNA positions 2842 to 2844, 3 bases deleted (GAC; older notation c.2842_2844delGAC).
Protein change: p.Asp948del; deletes aspartic acid 948.
Molecular consequence: inframe deletion.
Genome position (GRCh38, 1-based): chr5:179,125,087-179,125,089, GTC deleted on the plus strand (GAC on the coding strand, the reverse complement: ADAMTS2 is on the minus strand); deleting any 3 consecutive bases within chr5:179,125,087-179,125,091 gives the same sequence; the c. name uses the placement nearest the transcript's 3' end. VCF-style (leftmost placement, unchanged base first): chr5-179125086-TGTC-T. GRCh37 (hg19) VCF-style: chr5-178552087-TGTC-T.
Other names: short protein forms D948del.
Identifiers: ClinVar variation 422952 (VCV000422952.8), dbSNP rs765659887, ClinGen allele CA3595399.

ClinVar aggregate classification (germline): Uncertain significance. Review status: criteria provided, multiple submitters, no conflicts (2 of 4 stars). 3 submissions from 3 submitters: Uncertain significance (2). 1 of the submissions does not count toward it. Last evaluated 2021-09-02.

Conditions:
Ehlers-Danlos syndrome, dermatosparaxis type. Also called: EDS VIIC; Dermatosparaxis; Ehlers-Danlos syndrome, type VII, autosomal recessive. Identifiers: Orphanet 1901, MedGen C2700425, MONDO:0009161, OMIM 225410.

Submissions (3):

Labcorp Genetics (formerly Invitae), Labcorp
Classification: Uncertain significance for Ehlers-Danlos syndrome, dermatosparaxis type. Last evaluated: 2021-09-02. Review status: criteria provided, single submitter. Criteria: Invitae Variant Classification Sherloc (09022015). Collection method: clinical testing. Allele origin: germline.
Comment: This variant, c.2842_2844del, results in the deletion of 1 amino acid(s) of the ADAMTS2 protein (p.Asp948del), but otherwise preserves the integrity of the reading frame. This variant is present in population databases (rs765659887, ExAC 0.03%). This variant has not been reported in the literature in individuals affected with ADAMTS2-related conditions. ClinVar contains an entry for this variant (Variation ID: 422952). Experimental studies and prediction algorithms are not available or were not evaluated, and the functional significance of this variant is currently unknown. In summary, the available evidence is currently insufficient to determine the role of this variant in disease. Therefore, it has been classified as a Variant of Uncertain Significance.

GeneDx
Classification: Uncertain significance. Last evaluated: 2017-01-04. Review status: criteria provided, single submitter. Criteria: GeneDx Variant Classification (06012015). Collection method: clinical testing. Allele origin: germline. Affected: yes.
Comment: A variant of uncertain significance has been identified in the ADAMTS2 gene. The c.2842_2844delGAC variant has not been published as a pathogenic variant, nor has it been reported as a benign variant to our knowledge. The c.2842_2844delGAC variant was not observed in approximately 6,500 individuals of European and African American ancestry in the NHLBI Exome Sequencing Project, indicating it is not a common benign variant in these populations. The c.2842_2844delGAC variant results in the deletion of an Aspartic acid residue at codon 948 in the ADAMTS2 gene. However, as this is an in-frame deletion, it is not expected to result in either an abnormal, truncated protein product or loss of protein from this allele through nonsense-mediated mRNA decay. Therefore, based on the currently available information, it is unclear whether this variant is pathogenic or rare benign.

Natera, Inc.
Classification: Uncertain significance for Ehlers-Danlos syndrome type VIIC. Last evaluated: 2019-10-28. Review status: no assertion criteria provided. Collection method: clinical testing. Allele origin: germline. Not counted in ClinVar's aggregate classification.